The following is an entry in ClinVar:

NM_005120.3(MED12):c.2305C>A (p.His769Asn)

Gene: MED12 (mediator complex subunit 12; plus strand). Cytogenetic location: Xq13.1.
Variant type: single nucleotide variant.
Coding change: c.2305C>A on transcript NM_005120.3 (MANE Select); coding-DNA position 2305, C replaced by A.
Protein change: p.His769Asn; replaces histidine 769 with asparagine.
Molecular consequence: missense variant.
Genome position (GRCh38, 1-based): chrX:71,125,429, C>A. VCF-style: chrX-71125429-C-A. GRCh37 (hg19) VCF-style: chrX-70345279-C-A.
Other names: short protein forms H769N.
Identifiers: ClinVar variation 947380 (VCV000947380.12), dbSNP rs755014778, ClinGen allele CA10444327.

ClinVar aggregate classification (germline): Uncertain significance. Review status: criteria provided, multiple submitters, no conflicts (2 of 4 stars). 3 submissions from 3 submitters: Uncertain significance (3). Last evaluated 2025-03-09.

Conditions:
FG syndrome (FGS). Identifiers: MedGen C0220769, MONDO:0002010.
Familial thoracic aortic aneurysm and aortic dissection (TAAD). Also called: Thoracic aortic aneurysms and dissections. Identifiers: Orphanet 91387, MedGen C4707243, MONDO:0019625.

Allele frequency attached by ClinVar (database versions not stated): ExAC 0.00001; gnomAD exomes 0.00001.
gnomAD v4.1: 8 of 1,210,231 alleles (0.00066%); highest among the groups gnomAD compares: Non-Finnish European, 0.00089%; no homozygotes.

Submissions (3):

Labcorp Genetics (formerly Invitae), Labcorp
Classification: Uncertain significance for FG syndrome. Last evaluated: 2025-03-09. Review status: criteria provided, single submitter. Criteria: Invitae Variant Classification Sherloc (09022015). Collection method: clinical testing. Allele origin: germline.
Comment: This sequence change replaces histidine, which is basic and polar, with asparagine, which is neutral and polar, at codon 769 of the MED12 protein (p.His769Asn). This variant is present in population databases (rs755014778, gnomAD 0.001%). This variant has not been reported in the literature in individuals affected with MED12-related conditions. ClinVar contains an entry for this variant (Variation ID: 947380). Invitae Evidence Modeling of protein sequence and biophysical properties (such as structural, functional, and spatial information, amino acid conservation, physicochemical variation, residue mobility, and thermodynamic stability) has been performed for this missense variant. However, the output from this modeling did not meet the statistical confidence thresholds required to predict the impact of this variant on MED12 protein function. In summary, the available evidence is currently insufficient to determine the role of this variant in disease. Therefore, it has been classified as a Variant of Uncertain Significance.

Ambry Genetics
Classification: Uncertain significance for Familial thoracic aortic aneurysm and aortic dissection. Last evaluated: 2024-06-22. Review status: criteria provided, single submitter. Criteria: Ambry Variant Classification Scheme 2023. Collection method: clinical testing. Allele origin: germline.
Comment: The p.H769N variant (also known as c.2305C>A), located in coding exon 16 of the MED12 gene, results from a C to A substitution at nucleotide position 2305. The histidine at codon 769 is replaced by asparagine, an amino acid with similar properties. This amino acid position is conserved. In addition, this alteration is predicted to be tolerated by in silico analysis. Based on the available evidence, the clinical significance of this variant remains unclear.

Women's Health and Genetics/Laboratory Corporation of America, LabCorp
Classification: Uncertain significance. Last evaluated: 2024-04-29. Review status: criteria provided, single submitter. Criteria: LabCorp Variant Classification Summary - May 2015. Collection method: clinical testing. Allele origin: germline.
Comment: Variant summary: MED12 c.2305C>A (p.His769Asn) results in a conservative amino acid change located in the Mediator complex, subunit Med12, LCEWAV-domain (IPR021990) of the encoded protein sequence. Three of five in-silico tools predict a benign effect of the variant on protein function. The variant allele was found at a frequency of 5.5e-06 in 181557 control chromosomes (gnomAD). The available data on variant occurrences in the general population are insufficient to allow any conclusion about variant significance. To our knowledge, no occurrence of c.2305C>A in individuals affected with MED12-Related Disorders and no experimental evidence demonstrating its impact on protein function have been reported. ClinVar contains an entry for this variant (Variation ID: 947380). Based on the evidence outlined above, the variant was classified as uncertain significance.